The following is an entry in ClinVar:

NM_000038.6(APC):c.1959-320T>C

Gene: APC (APC regulator of WNT signaling pathway; plus strand). Cytogenetic location: 5q22.2.
Variant type: single nucleotide variant.
Coding change: c.1959-320T>C on transcript NM_000038.6 (MANE Select); 320 bases into the intron before coding-DNA position 1959, T replaced by C.
Molecular consequence: intron variant.
Genome position (GRCh38, 1-based): chr5:112,837,233, T>C. VCF-style: chr5-112837233-T-C. GRCh37 (hg19) VCF-style: chr5-112172930-T-C.
Other names: c.1959-320T>C (NM_001354895.2, NM_001127510.3); c.1989-320T>C (NM_001354897.2); c.1686-320T>C (NM_001354902.2); c.1905-320T>C (NM_001127511.3); c.1884-320T>C (NM_001354898.2); c.1581-320T>C (NM_001354904.2); c.1110-320T>C (NM_001354906.2); c.2013-320T>C (NM_001354896.2); and 5 more.
Identifiers: ClinVar variation 83229 (VCV000083229.2), dbSNP rs1966476, ClinGen allele CA006814.
Genomic context (GRCh38, chr5:112,837,233, plus strand): 5'-GGCACCCAACCATAGATTAAATTACCACAAAGTTCCTATTCAACATAGGATTTCATGATA[T>C]AGTTTTTAAATTGGGAAACTGTTATATGAATAGAGTAAATGTATGTGCCCCACCCCCTGC-3'

ClinVar aggregate classification (germline): other (0 of 4 stars; one submission).

Conditions:
Familial colorectal cancer. Identifiers: MedGen CN280943, MONDO:0023113. Disease mechanism: loss of function.

Allele frequency attached by ClinVar (database versions not stated): TOPMed 0.48015; 1000 Genomes Project 30x 0.49516; 1000 Genomes Project 0.50060; gnomAD 0.46605 and 0.47869.
gnomAD v4.1: 72,995 of 152,066 alleles (48%); highest among the groups gnomAD compares: East Asian, 67%; 19,934 homozygotes.

Submission:

Systems Biology Platform Zhejiang California International NanoSystems Institute
Classification: other for Familial colorectal cancer. Review status: no assertion criteria provided. Collection method: not provided. Allele origin: unknown.
ClinVar note: Converted during submission from cancer to other.